The following is an entry in ClinVar:

NM_213599.3(ANO5):c.267T>C (p.Asp89=)

Gene: ANO5 (anoctamin 5; plus strand). Cytogenetic location: 11p14.3.
Variant type: single nucleotide variant.
Coding change: c.267T>C on transcript NM_213599.3 (MANE Select); coding-DNA position 267, T replaced by C.
Protein change: p.Asp89=; no amino-acid change (aspartic acid 89 retained).
Molecular consequence: synonymous variant.
Genome position (GRCh38, 1-based): chr11:22,221,183, T>C. VCF-style: chr11-22221183-T-C. GRCh37 (hg19) VCF-style: chr11-22242729-T-C.
Other names: p.Asp89=; c.264T>C, p.Asp88= (NM_001142649.2).
Identifiers: ClinVar variation 96681 (VCV000096681.40), dbSNP rs4312063, ClinGen allele CA149673.

ClinVar aggregate classification (germline): Benign. Review status: criteria provided, multiple submitters, no conflicts (2 of 4 stars). 21 submissions from 19 submitters: Benign (15). 6 of the submissions do not count toward it. Last evaluated 2026-02-04.

Conditions:
Gnathodiaphyseal dysplasia (GDD). Also called: OSTEOGENESIS IMPERFECTA WITH UNUSUAL SKELETAL LESIONS; GNATHODIAPHYSEAL SCLEROSIS. Identifiers: Orphanet 53697, MedGen C1833736, MONDO:0008151, OMIM 166260.
Autosomal recessive limb-girdle muscular dystrophy type 2L (LGMDR12). Also called: Limb-Girdle Muscular Dystrophy R12 Anoctamin-5-Related (LGMD-R12); Limb-girdle muscular dystrophy, type 2L; MUSCULAR DYSTROPHY, LIMB-GIRDLE, AUTOSOMAL RECESSIVE 12. Identifiers: Orphanet 206549, MedGen C1969785, MONDO:0012652, OMIM 611307.
ANO5-related disorder. Also called: ANO5-related disorders; ANO5-related condition. Identifiers: MedGen CN239193.
ANO5-Related Muscle Diseases. Identifiers: MedGen CN180644.
Miyoshi muscular dystrophy 3 (MMD3). Also called: Miyoshi Muscular Dystrophy 3 (MMD3); Miyoshi myopathy 3. Identifiers: Orphanet 399096, MedGen C2750076, MONDO:0013222, OMIM 613319.

Allele frequency attached by ClinVar (database versions not stated): gnomAD exomes 0.76577 and 0.79706; ExAC 0.77722; 1000 Genomes Project 0.78994; 1000 Genomes Project 30x 0.79903; TOPMed 0.81545; gnomAD 0.82594 and 0.83210; ESP Exome Variant Server 0.84443.
gnomAD v4.1: 1,287,797 of 1,610,396 alleles (80%); highest among the groups gnomAD compares: African/African-American, 93%; 518,819 homozygotes.

Submissions (21):

Labcorp Genetics (formerly Invitae), Labcorp
Classification: Benign for Autosomal recessive limb-girdle muscular dystrophy type 2L; Gnathodiaphyseal dysplasia. Last evaluated: 2026-02-04. Review status: criteria provided, single submitter. Criteria: Invitae Variant Classification Sherloc (09022015). Collection method: clinical testing. Allele origin: germline.

Women's Health and Genetics/Laboratory Corporation of America, LabCorp
Classification: Benign. Last evaluated: 2026-01-26. Review status: criteria provided, single submitter. Criteria: LabCorp Variant Classification Summary - May 2015. Collection method: clinical testing. Allele origin: germline.

Blueprint Genetics
Classification: Benign. Last evaluated: 2024-11-27. Review status: criteria provided, single submitter. Criteria: ACMG Guidelines, 2015. Collection method: clinical testing. Allele origin: germline.

Mayo Clinic Laboratories, Mayo Clinic
Classification: Benign. Last evaluated: 2022-04-26. Review status: criteria provided, single submitter. Criteria: ACMG Guidelines, 2015. Collection method: clinical testing. Allele origin: germline. Observed: 1,233 variant alleles.

Genome-Nilou Lab
Classification: Benign for Gnathodiaphyseal dysplasia. Last evaluated: 2021-07-14. Review status: criteria provided, single submitter. Criteria: ACMG Guidelines, 2015. Collection method: clinical testing. Allele origin: germline. Affected: no.

Genome-Nilou Lab
Classification: Benign for Miyoshi muscular dystrophy 3. Last evaluated: 2021-07-14. Review status: criteria provided, single submitter. Criteria: ACMG Guidelines, 2015. Collection method: clinical testing. Allele origin: germline. Affected: no.

Genome-Nilou Lab
Classification: Benign for Autosomal recessive limb-girdle muscular dystrophy type 2L. Last evaluated: 2021-07-14. Review status: criteria provided, single submitter. Criteria: ACMG Guidelines, 2015. Collection method: clinical testing. Allele origin: germline. Affected: no.

Illumina Laboratory Services, Illumina
Classification: Benign for ANO5-Related Muscle Diseases. Last evaluated: 2018-01-13. Review status: criteria provided, single submitter. Criteria: ICSL Variant Classification Criteria 13 December 2019. Collection method: clinical testing. Allele origin: germline.
Comment: This variant was observed in the ICSL laboratory as part of a predisposition screen in an ostensibly healthy population. It had not been previously curated by ICSL or reported in the Human Gene Mutation Database (HGMD: prior to June 1st, 2018), and was therefore a candidate for classification through an automated scoring system. Utilizing variant allele frequency, disease prevalence and penetrance estimates, and inheritance mode, an automated score was calculated to assess if this variant is too frequent to cause the disease. Based on the score and internal cut-off values, a variant classified as benign is not then subjected to further curation. The score for this variant resulted in a classification of benign for this disease.

Athena Diagnostics
Classification: Benign. Last evaluated: 2017-07-12. Review status: criteria provided, single submitter. Criteria: Athena Diagnostics Criteria. Collection method: clinical testing. Allele origin: germline.

GeneDx
Classification: Benign. Last evaluated: 2015-11-03. Review status: criteria provided, single submitter. Criteria: GeneDx Variant Classification (06012015). Collection method: clinical testing. Allele origin: germline. Affected: yes.
Comment: This variant is considered likely benign or benign based on one or more of the following criteria: it is a conservative change, it occurs at a poorly conserved position in the protein, it is predicted to be benign by multiple in silico algorithms, and/or has population frequency not consistent with disease.

Laboratory for Molecular Medicine, Mass General Brigham Personalized Medicine
Classification: Benign. Last evaluated: 2015-01-13. Review status: criteria provided, single submitter. Criteria: LMM Criteria. Collection method: clinical testing. Allele origin: germline. Observed: 12 variant alleles.
Comment: p.Asp89Asp in exon 5 of ANO5: This variant is not expected to have clinical sign ificance because it does not alter an amino acid residue and is not located with in the splice consensus sequence. It has been identified in 20.0% (1723/8598) of European American chromosomes from a broad population by the NHLBI Exome Sequen cing Project (dbSNP rs4312063).

Genetic Services Laboratory, University of Chicago
Classification: Benign for AllHighlyPenetrant. Last evaluated: 2013-08-15. Review status: criteria provided, single submitter. Criteria: ACMG Guidelines, 2007. Collection method: clinical testing. Allele origin: germline. Inheritance: Autosomal recessive inheritance.

Eurofins Ntd Llc (ga)
Classification: Benign. Last evaluated: 2013-07-10. Review status: criteria provided, single submitter. Criteria: EGL Classification Definitions 2015. Collection method: clinical testing. Allele origin: germline. Observed: 27 variant alleles, 5 heterozygotes, 22 homozygotes.

Breakthrough Genomics
Classification: Benign. Review status: criteria provided, single submitter. Criteria: ACMG Guidelines, 2015. Collection method: not provided. Allele origin: germline. Inheritance: Autosomal recessive inheritance. Affected: yes.

PreventionGenetics, part of Exact Sciences
Classification: Benign. Review status: criteria provided, single submitter. Criteria: ACMG Guidelines, 2015. Collection method: clinical testing. Allele origin: germline.

ANO5 @LOVD
No classification provided. Review status: no classification provided. Collection method: not provided. Allele origin: unknown. Not counted in ClinVar's aggregate classification.

Clinical Genetics, Academic Medical Center
Classification: Benign. Review status: no assertion criteria provided. Collection method: clinical testing. Allele origin: germline. Affected: yes. Study: VKGL Data-share Consensus. Not counted in ClinVar's aggregate classification.

Diagnostic Laboratory, Department of Genetics, University Medical Center Groningen
Classification: Benign. Review status: no assertion criteria provided. Collection method: clinical testing. Allele origin: germline. Affected: yes. Study: VKGL Data-share Consensus. Not counted in ClinVar's aggregate classification.

Genome Diagnostics Laboratory, Amsterdam University Medical Center
Classification: Benign. Review status: no assertion criteria provided. Collection method: clinical testing. Allele origin: germline. Affected: yes. Study: VKGL Data-share Consensus. Not counted in ClinVar's aggregate classification.

Genome Diagnostics Laboratory, University Medical Center Utrecht
Classification: Benign. Review status: no assertion criteria provided. Collection method: clinical testing. Allele origin: germline. Affected: yes. Study: VKGL Data-share Consensus. Not counted in ClinVar's aggregate classification.

Joint Genome Diagnostic Labs from Nijmegen and Maastricht, Radboudumc and MUMC+
Classification: Benign. Review status: no assertion criteria provided. Collection method: clinical testing. Allele origin: germline. Affected: yes. Study: VKGL Data-share Consensus. Not counted in ClinVar's aggregate classification.